The following is an entry in ClinVar:

ClinVar aggregate classification (germline): Uncertain significance. Review status: criteria provided, multiple submitters, no conflicts (2 of 4 stars). 3 submissions from 3 submitters: Uncertain significance (3). Last evaluated 2022-07-21.

Conditions:
Donnai-Barrow syndrome. Also called: DBS/FOAR SYNDROME; FACIOOCULOACOUSTICORENAL SYNDROME. Identifiers: Orphanet 2143, MedGen C1857277, MONDO:0009104, OMIM 222448.

Allele frequency attached by ClinVar (database versions not stated): TOPMed 0.00002; ESP Exome Variant Server 0.00008.
gnomAD v4.1: 31 of 1,613,766 alleles (0.0019%); highest among the groups gnomAD compares: East Asian, 0.011%; no homozygotes.

Submissions (3):

Labcorp Genetics (formerly Invitae), Labcorp
Classification: Uncertain significance. Last evaluated: 2022-07-21. Review status: criteria provided, single submitter. Criteria: Invitae Variant Classification Sherloc (09022015). Collection method: clinical testing. Allele origin: germline.
Comment: This sequence change replaces serine, which is neutral and polar, with arginine, which is basic and polar, at codon 531 of the LRP2 protein (p.Ser531Arg). This variant is present in population databases (rs148996947, gnomAD 0.01%). This variant has not been reported in the literature in individuals affected with LRP2-related conditions. ClinVar contains an entry for this variant (Variation ID: 1213141). Algorithms developed to predict the effect of missense changes on protein structure and function are either unavailable or do not agree on the potential impact of this missense change (SIFT: "Deleterious"; PolyPhen-2: "Possibly Damaging"; Align-GVGD: "Class C0"). In summary, the available evidence is currently insufficient to determine the role of this variant in disease. Therefore, it has been classified as a Variant of Uncertain Significance.

Fulgent Genetics
Classification: Uncertain significance for Donnai-Barrow syndrome. Last evaluated: 2021-12-22. Review status: criteria provided, single submitter. Criteria: ACMG Guidelines, 2015. Collection method: clinical testing. Allele origin: unknown.

GeneDx
Classification: Uncertain significance. Last evaluated: 2020-09-21. Review status: criteria provided, single submitter. Criteria: GeneDx Variant Classification Process June 2021. Collection method: clinical testing. Allele origin: germline. Affected: yes.
Comment: In silico analysis supports that this missense variant does not alter protein structure/function; Has not been previously published as pathogenic or benign to our knowledge

NM_004525.3(LRP2):c.1593C>G (p.Ser531Arg)

Gene: LRP2 (LDL receptor related protein 2; minus strand). Cytogenetic location: 2q31.1.
Variant type: single nucleotide variant.
Coding change: c.1593C>G on transcript NM_004525.3 (MANE Select); coding-DNA position 1593, C replaced by G.
Protein change: p.Ser531Arg; replaces serine 531 with arginine.
Molecular consequence: missense variant.
Genome position (GRCh38, 1-based): chr2:169,277,924, G>C on the plus strand (C>G on the coding strand, the complement: LRP2 is on the minus strand). VCF-style: chr2-169277924-G-C. GRCh37 (hg19) VCF-style: chr2-170134434-G-C.
Other names: short protein forms S531R.
Identifiers: ClinVar variation 1213141 (VCV001213141.8), dbSNP rs148996947, ClinGen allele CA1955513.